The following is an entry in ClinVar:

ClinVar aggregate classification (germline): Conflicting classifications of pathogenicity. Review status: criteria provided, conflicting classifications (1 of 4 stars). 3 submissions from 3 submitters: Pathogenic (1); Likely pathogenic (1); Uncertain significance (1). Last evaluated 2025-01-03.

Conditions:
Progressive myoclonic epilepsy. Also called: Myoclonus epilepsy; Myoclonic Epilepsies, Progressive; Familial progressive myoclonic epilepsy; Progressive myoclonus epilepsy. Identifiers: Orphanet 308, Orphanet 98261, MedGen C0751778, MONDO:0020074.
Lafora disease. Also called: Epilepsy progressive myoclonic 2; Progressive Myoclonus Epilepsy, Lafora Type. Identifiers: Orphanet 501, MedGen C0751783, MONDO:0009697.

Allele frequency attached by ClinVar (database versions not stated): TOPMed 0.00001.
gnomAD v4.1: 1 of 1,614,176 alleles (0.000062%); highest among the groups gnomAD compares: Non-Finnish European, 0.000085%; no homozygotes.

Submissions (3):

Broad Center for Mendelian Genomics, Broad Institute of MIT and Harvard
Classification: Likely pathogenic for Lafora disease. Last evaluated: 2025-01-03. Review status: criteria provided, single submitter. Criteria: ACMG Guidelines, 2015. Collection method: curation. Allele origin: germline. Inheritance: Autosomal recessive inheritance.
Comment: The p.Val249Leu variant in EPM2A has been reported, in the compound heterozygous state, in 1 individual with Lafora disease (PMID: 33277415), and has been identified in 0.00009% (1/1111976) of European (non-Finnish) chromosomes by the Genome Aggregation Database (gnomAD; dbSNP rs1387516050). Although this variant has been seen in the general population in a heterozygous state, its frequency is low enough to be consistent with a recessive carrier frequency. This variant has also been reported in ClinVar (Variation ID: 462933) and has been interpreted as pathogenic by Invitae and a variant of uncertain significance by GeneDx. In vitro functional studies provide some evidence that the p.Val249Leu variant may slightly impact protein function (Donahue et al. 2023). However, these types of assays may not accurately represent biological function. Computational prediction tools and conservation analyses do not provide strong support for or against an impact to the protein. The phenotype of an individual compound heterozygous for this variant was highly specific for Lafora disease based on a biopsy showing Lafora bodies consistent with disease (PMID: 33277415). In summary, although additional studies are required to fully establish its clinical significance, this variant is likely pathogenic for autosomal recessive Lafora disease. ACMG/AMP Criteria applied: PM3, PP4_moderate, PM2_supporting, PS3_supporting (Richards 2015).

GeneDx
Classification: Uncertain significance. Last evaluated: 2021-03-22. Review status: criteria provided, single submitter. Criteria: GeneDx Variant Classification Process June 2021. Collection method: clinical testing. Allele origin: germline. Affected: yes.
Comment: Not observed in large population cohorts (Lek et al., 2016); In silico analysis supports that this missense variant does not alter protein structure/function; This variant is associated with the following publications: (PMID: 33277415)

Labcorp Genetics (formerly Invitae), Labcorp
Classification: Pathogenic for Progressive myoclonic epilepsy. Last evaluated: 2020-03-02. Review status: criteria provided, single submitter. Criteria: Invitae Variant Classification Sherloc (09022015). Collection method: clinical testing. Allele origin: germline.
Comment: This variant is not present in population databases (ExAC no frequency). This sequence change replaces valine with leucine at codon 249 of the EPM2A protein (p.Val249Leu). The valine residue is highly conserved and there is a small physicochemical difference between valine and leucine. This variant has been observed in individual(s) with clinical features of Lafora disease (Invitae). It has also been observed to segregate with disease in related individuals. For these reasons, this variant has been classified as Pathogenic. Algorithms developed to predict the effect of missense changes on protein structure and function (SIFT, PolyPhen-2, Align-GVGD) all suggest that this variant is likely to be disruptive, but these predictions have not been confirmed by published functional studies and their clinical significance is uncertain.

NM_005670.4(EPM2A):c.745G>T (p.Val249Leu)

Gene: EPM2A (EPM2A glucan phosphatase, laforin; minus strand). Cytogenetic location: 6q24.3.
Variant type: single nucleotide variant.
Coding change: c.745G>T on transcript NM_005670.4 (MANE Select); coding-DNA position 745, G replaced by T.
Protein change: p.Val249Leu; replaces valine 249 with leucine.
Molecular consequence: missense variant. On other transcripts: non-coding transcript variant (1).
Genome position (GRCh38, 1-based): chr6:145,627,667, C>A on the plus strand (G>T on the coding strand, the complement: EPM2A is on the minus strand). VCF-style: chr6-145627667-C-A. GRCh37 (hg19) VCF-style: chr6-145948803-C-A.
Other names: NM_005670.4(EPM2A):c.745G>T; p.Val249Leu; c.745G>T, p.Val249Leu (NM_001018041.2); c.503G>T, p.Gly168Val (NM_001360057.2); c.331G>T, p.Val111Leu (NM_001360064.2, NM_001360071.2, NM_001368131.1); c.283G>T, p.Val95Leu (NM_001368129.2, NM_001368132.1); short protein forms V249L, V95L, G168V, V111L.
Identifiers: ClinVar variation 462933 (VCV000462933.13), dbSNP rs1387516050, ClinGen allele CA366190434.